The following is an entry in ClinVar:

NM_003647.3(DGKE):c.1524+2T>C

Gene: DGKE (diacylglycerol kinase epsilon; plus strand). Cytogenetic location: 17q22.
Variant type: single nucleotide variant.
Coding change: c.1524+2T>C on transcript NM_003647.3 (MANE Select); the canonical splice donor site of the intron after coding-DNA position 1524, T replaced by C.
Molecular consequence: splice donor variant.
Genome position (GRCh38, 1-based): chr17:56,862,253, T>C. VCF-style: chr17-56862253-T-C. GRCh37 (hg19) VCF-style: chr17-54939614-T-C.
Identifiers: ClinVar variation 4280382 (VCV004280382.1).

ClinVar aggregate classification (germline): Pathogenic (1 of 4 stars; one submission).

Conditions:
Atypical hemolytic-uremic syndrome. Identifiers: Orphanet 2134, MedGen C2931788, MONDO:0016244.

gnomAD v4.1: 2 of 1,611,584 alleles (0.00012%); highest among the groups gnomAD compares: Non-Finnish European, 0.00017%; no homozygotes.

Submission:

Genomenon, Inc
Classification: Pathogenic for Atypical hemolytic-uremic syndrome. Last evaluated: 2025-09-26. Review status: criteria provided, single submitter. Criteria: Genomenon Sequence Variant Interpretation Standards - Updated. Collection method: curation. Allele origin: germline. Affected: yes.
Comment: DGKE c.1524+2T>C is a canonical splice variant located in the donor splice region of intron 11. This variant has been observed in at least one proband affected with atypical hemolytic-uremic syndrome (PMID:28526779;32386968). At least one splicing study identified that this variant results in aberrant splicing (PMID:32386968). It is absent or not present at a significant frequency in gnomAD. In conclusion, we classify DGKE c.1524+2T>C as a pathogenic variant.

Literature cited by the submitters: PubMed 28526779; PubMed 32386968.